The following is an entry in ClinVar:

NM_000264.5(PTCH1):c.3538C>G (p.Pro1180Ala)

Gene: PTCH1 (patched 1; minus strand). Cytogenetic location: 9q22.32.
Variant type: single nucleotide variant.
Coding change: c.3538C>G on transcript NM_000264.5 (MANE Select); coding-DNA position 3538, C replaced by G.
Protein change: p.Pro1180Ala; replaces proline 1180 with alanine.
Molecular consequence: missense variant. On other transcripts: non-coding transcript variant (1).
Genome position (GRCh38, 1-based): chr9:95,449,852, G>C on the plus strand (C>G on the coding strand, the complement: PTCH1 is on the minus strand). VCF-style: chr9-95449852-G-C. GRCh37 (hg19) VCF-style: chr9-98212134-G-C.
Other names: c.3538C>G (NM_000264.3); c.3340C>G, p.Pro1114Ala (NM_001083602.3); c.3535C>G, p.Pro1179Ala (NM_001083603.3); c.3085C>G, p.Pro1029Ala (NM_001083604.3, NM_001083605.3, NM_001083606.3 and 1 more transcripts); c.3382C>G, p.Pro1128Ala (NM_001354918.2); short protein forms P1128A, P1180A, P1179A, P1029A, P1114A.
Identifiers: ClinVar variation 1372371 (VCV001372371.10), dbSNP rs1314555601, ClinGen allele CA374111456.
Genomic context (GRCh38, chr9:95,449,852, plus strand): 5'-ACAGCATTCAGCCGGCCTACACGTGGGACATCCCCGTGTCACTACTGACCTCAGGATATG[G>C]TCCAAAGAAAGACAAAAGCACGGGAAGCAAAACCAGCCCATTGAGAACGCCGAGGATGGT-3'
Protein context (NP_000255.2, residues 1170-1190): LLPVLLSFFG[Pro1180Ala]YPEVSPANGL

ClinVar aggregate classification (germline): Uncertain significance. Review status: criteria provided, multiple submitters, no conflicts (2 of 4 stars). 2 submissions from 2 submitters: Uncertain significance (2). Last evaluated 2026-04-22.

Conditions:
Hereditary cancer-predisposing syndrome. Also called: Neoplastic Syndromes, Hereditary; Tumor predisposition; Hereditary Cancer Syndrome; Hereditary neoplastic syndrome. Identifiers: Orphanet 140162, MedGen C0027672, MeSH D009386, MONDO:0015356.
Gorlin syndrome. Also called: Basal cell nevus syndrome; Nevoid Basal Cell Carcinoma Syndrome. Identifiers: Orphanet 377, MedGen C0004779, MONDO:0007187.

Allele frequency attached by ClinVar (database versions not stated): TOPMed below 0.00001; gnomAD exomes below 0.00001.
gnomAD v4.1: 1 of 1,613,522 alleles (0.000062%); highest among the groups gnomAD compares: Non-Finnish European, 0.000085%; no homozygotes.

Submissions (2):

Ambry Genetics
Classification: Uncertain significance for Hereditary cancer-predisposing syndrome. Last evaluated: 2026-04-22. Review status: criteria provided, single submitter. Criteria: Ambry Variant Classification Scheme 2023. Collection method: clinical testing. Allele origin: germline.
Comment: The p.P1180A variant (also known as c.3538C>G), located in coding exon 21 of the PTCH1 gene, results from a C to G substitution at nucleotide position 3538. The proline at codon 1180 is replaced by alanine, an amino acid with highly similar properties. This amino acid position is conserved. In addition, this alteration is predicted to be deleterious by in silico analysis. Based on the available evidence, the clinical significance of this variant remains unclear.

Labcorp Genetics (formerly Invitae), Labcorp
Classification: Uncertain significance for Gorlin syndrome. Last evaluated: 2025-07-29. Review status: criteria provided, single submitter. Criteria: Invitae Variant Classification Sherloc (09022015). Collection method: clinical testing. Allele origin: germline.
Comment: This sequence change replaces proline, which is neutral and non-polar, with alanine, which is neutral and non-polar, at codon 1180 of the PTCH1 protein (p.Pro1180Ala). This variant is not present in population databases (gnomAD no frequency). This variant has not been reported in the literature in individuals affected with PTCH1-related conditions. ClinVar contains an entry for this variant (Variation ID: 1372371). Invitae Evidence Modeling of protein sequence and biophysical properties (such as structural, functional, and spatial information, amino acid conservation, physicochemical variation, residue mobility, and thermodynamic stability) has been performed for this missense variant. However, the output from this modeling did not meet the statistical confidence thresholds required to predict the impact of this variant on PTCH1 protein function. In summary, the available evidence is currently insufficient to determine the role of this variant in disease. Therefore, it has been classified as a Variant of Uncertain Significance.